The following is an entry in ClinVar:

ClinVar aggregate classification (germline): Uncertain significance (1 of 4 stars; one submission).

Submission:

Labcorp Genetics (formerly Invitae), Labcorp
Classification: Uncertain significance. Last evaluated: 2025-11-15. Review status: criteria provided, single submitter. Criteria: Invitae Variant Classification Sherloc (09022015). Collection method: clinical testing. Allele origin: germline.
Comment: This sequence change disrupts the translational stop signal of the PRPF8 mRNA. It is expected to extend the length of the PRPF8 protein by 48 additional amino acid residues. This variant is not present in population databases (gnomAD no frequency). This variant has not been reported in the literature in individuals affected with PRPF8-related conditions. Experimental studies and prediction algorithms are not available or were not evaluated, and the functional significance of this variant is currently unknown. In summary, the available evidence is currently insufficient to determine the role of this variant in disease. Therefore, it has been classified as a Variant of Uncertain Significance.

NM_006445.4(PRPF8):c.7005dup (p.Ter2336LeuextTer?)

Gene: PRPF8 (pre-mRNA processing factor 8; minus strand). Cytogenetic location: 17p13.3.
Variant type: Duplication.
Coding change: c.7005dup on transcript NM_006445.4 (MANE Select); coding-DNA position 7005, one base duplicated (C; older notation c.7005dupC).
Protein change: p.Ter2336LeuextTer?.
Molecular consequence: frameshift variant, stop lost.
Genome position (GRCh38, 1-based): chr17:1,650,805, G duplicated on the plus strand (C on the coding strand, the reverse complement: PRPF8 is on the minus strand); the first of 2 consecutive G bases (chr17:1,650,805-1,650,806); duplicating either gives the same sequence. VCF-style (leftmost placement, unchanged base first): chr17-1650804-A-AG. GRCh37 (hg19) VCF-style: chr17-1554098-A-AG.
Identifiers: ClinVar variation 4730645 (VCV004730645.1).